The following is an entry in ClinVar:

ClinVar aggregate classification (germline): Uncertain significance (0 of 4 stars; one submission).

Conditions:
SLIT3-related disorder. Also called: SLIT3-related condition.

Submission:

PreventionGenetics, part of Exact Sciences
Classification: Uncertain significance for SLIT3-related condition. Last evaluated: 2024-04-08. Review status: no assertion criteria provided. Collection method: clinical testing. Allele origin: germline.
Comment: The SLIT3 c.1913A>G variant is predicted to result in the amino acid substitution p.Asp638Gly. To our knowledge, this variant has not been reported in the literature or in a large population database, indicating this variant is rare. At this time, the clinical significance of this variant is uncertain due to the absence of conclusive functional and genetic evidence.

NM_003062.4(SLIT3):c.1913A>G (p.Asp638Gly)

Gene: SLIT3 (slit guidance ligand 3; minus strand). Cytogenetic location: 5q34.
Variant type: single nucleotide variant.
Coding change: c.1913A>G on transcript NM_003062.4 (MANE Select); coding-DNA position 1913, A replaced by G.
Protein change: p.Asp638Gly; replaces aspartic acid 638 with glycine.
Molecular consequence: missense variant.
Genome position (GRCh38, 1-based): chr5:168,753,015, T>C on the plus strand (A>G on the coding strand, the complement: SLIT3 is on the minus strand). VCF-style: chr5-168753015-T-C. GRCh37 (hg19) VCF-style: chr5-168180020-T-C.
Other names: c.1913A>G, p.Asp638Gly (NM_001271946.2); short protein forms D638G.
Identifiers: ClinVar variation 3355894 (VCV003355894.1).
Genomic context (GRCh38, chr5:168,753,015, plus strand): 5'-ATGGTGGACAGGGAGACAAGCGTGGTGAAGGCCCCAGGGGTGATGGTGGTGATCCGATTG[T>C]CATAGAGGGACAGCAGTCTCACCGAACTCAGGCCGGCAAAGGTGTCATTACTCACACAGC-3'
Protein context (NP_003053.2, residues 628-648): LSSVRLLSLY[Asp638Gly]NRITTITPGA